The following is an entry in ClinVar:

ClinVar aggregate classification (germline): Uncertain significance (1 of 4 stars; one submission).

Submission:

GeneDx
Classification: Uncertain significance. Last evaluated: 2024-11-06. Review status: criteria provided, single submitter. Criteria: GeneDx Variant Classification Process June 2021. Collection method: clinical testing. Allele origin: germline. Affected: yes.
Comment: Not observed at significant frequency in large population cohorts (gnomAD); In silico analysis supports that this missense variant has a deleterious effect on protein structure/function; Has not been previously published as pathogenic or benign to our knowledge

NM_001365536.1(SCN9A):c.3950C>G (p.Ala1317Gly)

Genes: SCN1A-AS1 (SCN1A and SCN9A antisense RNA 1; plus strand), SCN9A (sodium voltage-gated channel alpha subunit 9; minus strand). Cytogenetic location: 2q24.3.
Variant type: single nucleotide variant.
Coding change: c.3950C>G on transcript NM_001365536.1 (MANE Select); coding-DNA position 3950, C replaced by G.
Protein change: p.Ala1317Gly; replaces alanine 1317 with glycine.
Molecular consequence: missense variant.
Genome position (GRCh38, 1-based): chr2:166,228,947, G>C on the plus strand (C>G on the coding strand, the complement: SCN9A is on the minus strand). VCF-style: chr2-166228947-G-C. GRCh37 (hg19) VCF-style: chr2-167085457-G-C.
Other names: c.3917C>G, p.Ala1306Gly (NM_002977.4); short protein forms A1306G, A1317G.
Identifiers: ClinVar variation 3899104 (VCV003899104.1).